The following is an entry in ClinVar:

ClinVar aggregate classification (germline): Likely benign (1 of 4 stars; one submission).

Submission:

CeGaT Center for Human Genetics Tuebingen
Classification: Likely benign. Last evaluated: 2023-03-01. Review status: criteria provided, single submitter. Criteria: CeGaT Center For Human Genetics Tuebingen Variant Classification Criteria Version 2. Collection method: clinical testing. Allele origin: germline. Affected: yes. Observed: 1 variant allele.
Comment: NOL6: PM2:Supporting, BP4, BP7

NM_022917.5(NOL6):c.2124C>T (p.Phe708=)

Gene: NOL6 (nucleolar protein 6; minus strand). Cytogenetic location: 9p13.3.
Variant type: single nucleotide variant.
Coding change: c.2124C>T on transcript NM_022917.5 (MANE Select); coding-DNA position 2124, C replaced by T.
Protein change: p.Phe708=; no amino-acid change (phenylalanine 708 retained).
Molecular consequence: synonymous variant. On other transcripts: intron variant (1).
Genome position (GRCh38, 1-based): chr9:33,466,393, G>A on the plus strand (C>T on the coding strand, the complement: NOL6 is on the minus strand). VCF-style: chr9-33466393-G-A. GRCh37 (hg19) VCF-style: chr9-33466391-G-A.
Other names: c.1950+519C>T (NM_139235.4).
Identifiers: ClinVar variation 2659148 (VCV002659148.24), dbSNP rs2489991805, ClinGen allele CA464316667.